The following is an entry in ClinVar:

NM_001371596.2(MFSD8):c.886G>A (p.Asp296Asn)

Gene: MFSD8 (major facilitator superfamily domain containing 8; minus strand). Cytogenetic location: 4q28.2.
Variant type: single nucleotide variant.
Coding change: c.886G>A on transcript NM_001371596.2 (MANE Select); coding-DNA position 886, G replaced by A.
Protein change: p.Asp296Asn; replaces aspartic acid 296 with asparagine.
Molecular consequence: missense variant.
Genome position (GRCh38, 1-based): chr4:127,930,795, C>T on the plus strand (G>A on the coding strand, the complement: MFSD8 is on the minus strand). VCF-style: chr4-127930795-C-T. GRCh37 (hg19) VCF-style: chr4-128851950-C-T.
Other names: c.685G>A, p.Asp229Asn (NM_001363520.3); c.571G>A, p.Asp191Asn (NM_001363521.3); c.751G>A, p.Asp251Asn (NM_001371590.2); c.886G>A, p.Asp296Asn (NM_001371591.2, NM_152778.4); c.892G>A, p.Asp298Asn (NM_001371592.2); c.772G>A, p.Asp258Asn (NM_001371593.2, NM_001410766.1); c.739G>A, p.Asp247Asn (NM_001371594.2); c.604G>A, p.Asp202Asn (NM_001371595.1); and 1 more; short protein forms D296N, D191N, D229N, D202N, D247N, D251N, D258N, D298N.
Identifiers: ClinVar variation 193764 (VCV000193764.23), dbSNP rs147295085, ClinGen allele CA239396.

ClinVar aggregate classification (germline): Conflicting classifications of pathogenicity. Review status: criteria provided, conflicting classifications (1 of 4 stars). 7 submissions from 7 submitters: Uncertain significance (5); Likely benign (1). 1 of the submissions does not count toward it. Last evaluated 2025-02-28.

Conditions:
MFSD8-related disorder. Also called: MFSD8-related condition.
Inborn genetic diseases. Identifiers: MedGen C0950123, MeSH D030342.
Late-infantile neuronal ceroid lipofuscinosis. Also called: Jansky-Bielschowsky disease. Identifiers: MedGen C0022340, MONDO:0015674.
Neuronal ceroid lipofuscinosis 7 (CLN7). Also called: MFSD8-Related Neuronal Ceroid-Lipofuscinosis. Identifiers: Orphanet 168491, Orphanet 228366, MedGen C1838571, MONDO:0012588, OMIM 610951.

Allele frequency attached by ClinVar (database versions not stated): gnomAD exomes 0.00009; ExAC 0.00011; ESP Exome Variant Server 0.00046; gnomAD 0.00048 and 0.00054; TOPMed 0.00056.
gnomAD v4.1: 108 of 1,610,936 alleles (0.0067%); highest among the groups gnomAD compares: African/African-American, 0.13%; no homozygotes.

Submissions (7):

PreventionGenetics, part of Exact Sciences
Classification: Likely benign for MFSD8-related condition. Last evaluated: 2025-02-28. Review status: criteria provided, single submitter. Criteria: ACMG Guidelines, 2015. Collection method: clinical testing. Allele origin: germline.
Comment: This variant is classified as likely benign based on ACMG/AMP sequence variant interpretation guidelines (Richards et al. 2015 PMID: 25741868, with internal and published modifications).

GeneDx
Classification: Uncertain significance. Last evaluated: 2024-05-02. Review status: criteria provided, single submitter. Criteria: GeneDx Variant Classification Process June 2021. Collection method: clinical testing. Allele origin: germline. Affected: yes.
Comment: In silico analysis supports that this missense variant has a deleterious effect on protein structure/function; Has not been previously published as pathogenic or benign to our knowledge

Blueprint Genetics
Classification: Uncertain significance. Last evaluated: 2023-09-27. Review status: criteria provided, single submitter. Criteria: ACMG Guidelines, 2015. Collection method: clinical testing. Allele origin: germline.

Labcorp Genetics (formerly Invitae), Labcorp
Classification: Uncertain significance for Neuronal ceroid lipofuscinosis 7. Last evaluated: 2022-11-01. Review status: criteria provided, single submitter. Criteria: Invitae Variant Classification Sherloc (09022015). Collection method: clinical testing. Allele origin: germline.
Comment: This sequence change replaces aspartic acid, which is acidic and polar, with asparagine, which is neutral and polar, at codon 296 of the MFSD8 protein (p.Asp296Asn). This variant is present in population databases (rs147295085, gnomAD 0.2%). This variant has not been reported in the literature in individuals affected with MFSD8-related conditions. ClinVar contains an entry for this variant (Variation ID: 193764). Algorithms developed to predict the effect of missense changes on protein structure and function (SIFT, PolyPhen-2, Align-GVGD) all suggest that this variant is likely to be tolerated. In summary, the available evidence is currently insufficient to determine the role of this variant in disease. Therefore, it has been classified as a Variant of Uncertain Significance.

Ambry Genetics
Classification: Uncertain significance for Inborn genetic diseases. Last evaluated: 2021-07-27. Review status: criteria provided, single submitter. Criteria: Ambry Variant Classification Scheme 2023. Collection method: clinical testing. Allele origin: germline.

Eurofins Ntd Llc (ga)
Classification: Uncertain significance. Last evaluated: 2014-12-02. Review status: criteria provided, single submitter. Criteria: EGL Classification Definitions 2015. Collection method: clinical testing. Allele origin: germline. Observed: 1 variant allele, 1 heterozygote.

Natera, Inc.
Classification: Uncertain significance for Late-infantile neuronal ceroid lipofuscinosis. Last evaluated: 2020-01-02. Review status: no assertion criteria provided. Collection method: clinical testing. Allele origin: germline. Not counted in ClinVar's aggregate classification.